The following is an entry in ClinVar:

NM_000492.4(CFTR):c.3585T>G (p.Asn1195Lys)

Genes: CFTR (CF transmembrane conductance regulator; plus strand), CFTR-AS2 (CFTR antisense RNA 2; minus strand). Cytogenetic location: 7q31.2.
Variant type: single nucleotide variant.
Coding change: c.3585T>G on transcript NM_000492.4 (MANE Select); coding-DNA position 3585, T replaced by G.
Protein change: p.Asn1195Lys; replaces asparagine 1195 with lysine.
Molecular consequence: missense variant.
Genome position (GRCh38, 1-based): chr7:117,627,638, T>G. VCF-style: chr7-117627638-T-G. GRCh37 (hg19) VCF-style: chr7-117267692-T-G.
Other names: short protein forms N1195K.
Identifiers: ClinVar variation 3231893 (VCV003231893.1), dbSNP rs2485146337, ClinGen allele CA368997057.
Genomic context (GRCh38, chr7:117,627,638, plus strand): 5'-TACCAAGTCAACCAAACCATACAAGAATGGCCAACTCTCGAAAGTTATGATTATTGAGAA[T>G]TCACACGTGAAGAAAGATGACATCTGGCCCTCAGGGGGCCAAATGACTGTCAAAGATCTC-3'
Protein context (NP_000483.3, residues 1185-1205): GQLSKVMIIE[Asn1195Lys]SHVKKDDIWP

ClinVar aggregate classification (germline): Uncertain significance (1 of 4 stars; one submission).

Conditions:
Cystic fibrosis (CF). Also called: MUCOVISCIDOSIS. Identifiers: Orphanet 586, MedGen C0010674, MONDO:0009061, OMIM 219700. Disease mechanism: loss of function.

Submission:

Ambry Genetics
Classification: Uncertain significance for Cystic fibrosis. Last evaluated: 2023-12-01. Review status: criteria provided, single submitter. Criteria: Ambry Variant Classification Scheme 2023. Collection method: clinical testing. Allele origin: germline.
Comment: The p.N1195K variant (also known as c.3585T>G), located in coding exon 22 of the CFTR gene, results from a T to G substitution at nucleotide position 3585. The asparagine at codon 1195 is replaced by lysine, an amino acid with similar properties. This amino acid position is conserved. In addition, the in silico prediction for this alteration is inconclusive. Since supporting evidence is limited at this time, the clinical significance of this alteration remains unclear.